The following is an entry in ClinVar:

NM_152305.3(POGLUT1):c.983T>G (p.Val328Gly)

Gene: POGLUT1 (protein O-glucosyltransferase 1; plus strand). Cytogenetic location: 3q13.33.
Variant type: single nucleotide variant.
Coding change: c.983T>G on transcript NM_152305.3 (MANE Select); coding-DNA position 983, T replaced by G.
Protein change: p.Val328Gly; replaces valine 328 with glycine.
Molecular consequence: missense variant. On other transcripts: non-coding transcript variant (1).
Genome position (GRCh38, 1-based): chr3:119,491,535, T>G. VCF-style: chr3-119491535-T-G. GRCh37 (hg19) VCF-style: chr3-119210382-T-G.
Other names: c.983T>G, p.Val328Gly (NM_020231.3); c.983T>G (NM_152305.2); short protein forms V328G.
Identifiers: ClinVar variation 2153429 (VCV002153429.7), dbSNP rs369732121, ClinGen allele CA2555028.

ClinVar aggregate classification (germline): Uncertain significance. Review status: criteria provided, multiple submitters, no conflicts (2 of 4 stars). 2 submissions from 2 submitters: Uncertain significance (2). Last evaluated 2023-03-27.

Allele frequency attached by ClinVar (database versions not stated): gnomAD 0.00001; gnomAD exomes 0.00001; TOPMed 0.00001; ExAC 0.00003; ESP Exome Variant Server 0.00008.
gnomAD v4.1: 9 of 1,547,966 alleles (0.00058%); highest among the groups gnomAD compares: Non-Finnish European, 0.0008%; no homozygotes.

Submissions (2):

Labcorp Genetics (formerly Invitae), Labcorp
Classification: Uncertain significance. Last evaluated: 2023-03-27. Review status: criteria provided, single submitter. Criteria: Invitae Variant Classification Sherloc (09022015). Collection method: clinical testing. Allele origin: germline.
Comment: ClinVar contains an entry for this variant (Variation ID: 2153429). This missense change has been observed in individual(s) with Dowling-Degos disease (PMID: 30414910). This variant is present in population databases (rs369732121, gnomAD 0.003%). This sequence change replaces valine, which is neutral and non-polar, with glycine, which is neutral and non-polar, at codon 328 of the POGLUT1 protein (p.Val328Gly). Advanced modeling of protein sequence and biophysical properties (such as structural, functional, and spatial information, amino acid conservation, physicochemical variation, residue mobility, and thermodynamic stability) performed at Invitae indicates that this missense variant is not expected to disrupt POGLUT1 protein function. In summary, the available evidence is currently insufficient to determine the role of this variant in disease. Therefore, it has been classified as a Variant of Uncertain Significance. Studies have shown that this missense change alters POGLUT1 gene expression (PMID: 30414910).

Revvity Omics, Revvity
Classification: Uncertain significance. Last evaluated: 2019-05-23. Review status: criteria provided, single submitter. Criteria: ACMG Guidelines, 2015. Collection method: clinical testing. Allele origin: germline.

Literature cited by the submitters: PubMed 30414910 (cited by Labcorp Genetics (formerly Invitae), Labcorp).